The following is an entry in ClinVar:

ClinVar aggregate classification (germline): Uncertain significance. Review status: criteria provided, multiple submitters, no conflicts (2 of 4 stars). 3 submissions from 3 submitters: Uncertain significance (3). Last evaluated 2026-02-01.

Conditions:
Inborn genetic diseases. Identifiers: MedGen C0950123, MeSH D030342.
Paramyotonia congenita of Von Eulenburg. Also called: PARALYSIS PERIODICA PARAMYOTONICA; Paramyotonia Congenita; Eulenburg disease; Myotonia congenita intermittens; Von Eulenburg paramyotonia congenita. Identifiers: Orphanet 684, MedGen C0221055, MONDO:0008195, OMIM 168300. Disease mechanism: loss of function.
Congenital myopathy 22A, classic (CMYO22A). Identifiers: MedGen C5830453, MONDO:0957247, OMIM 620351.
Congenital myopathy 22B, severe fetal (CMYO22B). Identifiers: MedGen C5830501, MONDO:0957265, OMIM 620369.
Hypokalemic periodic paralysis, type 2 (HOKPP2). Identifiers: Orphanet 681, MedGen C2750061, MONDO:0013234, OMIM 613345.
Potassium-aggravated myotonia. Also called: MYOTONIA CONGENITA, ACETAZOLAMIDE-RESPONSIVE; MYOTONIA CONGENITA, ATYPICAL; SODIUM CHANNEL MUSCLE DISEASE; Myotonia congenita, atypical, acetazolamide-responsive. Identifiers: Orphanet 612, Orphanet 99734, Orphanet 99735, Orphanet 99736, MedGen C2931826, MONDO:0018959, OMIM 608390.
Congenital myasthenic syndrome 16. Identifiers: Orphanet 590, MedGen C3280112, MONDO:0013620, OMIM 614198.
Hyperkalemic periodic paralysis. Also called: Familial hyperkalemic periodic paralysis; Gamstorp disease. Identifiers: Orphanet 682, MedGen C0238357, MONDO:0008224, OMIM 170500, HP:0007215.

Allele frequency attached by ClinVar (database versions not stated): TOPMed 0.00002; gnomAD 0.00001.
gnomAD v4.1: 12 of 1,613,468 alleles (0.00074%); highest among the groups gnomAD compares: South Asian, 0.0022%; no homozygotes.

Submissions (3):

Labcorp Genetics (formerly Invitae), Labcorp
Classification: Uncertain significance for Hyperkalemic periodic paralysis. Last evaluated: 2026-02-01. Review status: criteria provided, single submitter. Criteria: Invitae Variant Classification Sherloc (09022015). Collection method: clinical testing. Allele origin: germline.
Comment: This sequence change replaces arginine, which is basic and polar, with cysteine, which is neutral and slightly polar, at codon 1021 of the SCN4A protein (p.Arg1021Cys). This variant is not present in population databases (gnomAD no frequency). This variant has not been reported in the literature in individuals affected with SCN4A-related conditions. ClinVar contains an entry for this variant (Variation ID: 1499001). Invitae Evidence Modeling of protein sequence and biophysical properties (such as structural, functional, and spatial information, amino acid conservation, physicochemical variation, residue mobility, and thermodynamic stability) indicates that this missense variant is expected to disrupt SCN4A protein function with a positive predictive value of 95%. In summary, the available evidence is currently insufficient to determine the role of this variant in disease. Therefore, it has been classified as a Variant of Uncertain Significance.

Ambry Genetics
Classification: Uncertain significance for Inborn genetic diseases. Last evaluated: 2024-11-25. Review status: criteria provided, single submitter. Criteria: Ambry Variant Classification Scheme 2023. Collection method: clinical testing. Allele origin: germline.

Fulgent Genetics
Classification: Uncertain significance for Paramyotonia congenita of Von Eulenburg; Hyperkalemic periodic paralysis; Potassium-aggravated myotonia; Hypokalemic periodic paralysis, type 2; Congenital myasthenic syndrome 16; Congenital myopathy 22A, classic; Congenital myopathy 22B, severe fetal. Last evaluated: 2024-06-11. Review status: criteria provided, single submitter. Criteria: ACMG Guidelines, 2015. Collection method: clinical testing. Allele origin: germline.

NM_000334.4(SCN4A):c.3061C>T (p.Arg1021Cys)

Genes: GH-LCR (growth hormone locus control region; plus strand), SCN4A (sodium voltage-gated channel alpha subunit 4; minus strand). Cytogenetic location: 17q23.3.
Variant type: single nucleotide variant.
Coding change: c.3061C>T on transcript NM_000334.4 (MANE Select); coding-DNA position 3061, C replaced by T.
Protein change: p.Arg1021Cys; replaces arginine 1021 with cysteine.
Molecular consequence: missense variant.
Genome position (GRCh38, 1-based): chr17:63,948,694, G>A on the plus strand (C>T on the coding strand, the complement: SCN4A is on the minus strand). VCF-style: chr17-63948694-G-A. GRCh37 (hg19) VCF-style: chr17-62026054-G-A.
Other names: short protein forms R1021C.
Identifiers: ClinVar variation 1499001 (VCV001499001.8), dbSNP rs774176490, ClinGen allele CA8709402.